The following is an entry in ClinVar:

NM_001197104.2(KMT2A):c.10402A>G (p.Ile3468Val)

Gene: KMT2A (lysine methyltransferase 2A; plus strand). Cytogenetic location: 11q23.3.
Variant type: single nucleotide variant.
Coding change: c.10402A>G on transcript NM_001197104.2 (MANE Select); coding-DNA position 10402, A replaced by G.
Protein change: p.Ile3468Val; replaces isoleucine 3468 with valine.
Molecular consequence: missense variant.
Genome position (GRCh38, 1-based): chr11:118,506,294, A>G. VCF-style: chr11-118506294-A-G. GRCh37 (hg19) VCF-style: chr11-118377009-A-G.
Other names: c.10492A>G, p.Ile3498Val (NM_001412597.1); c.10393A>G, p.Ile3465Val (NM_005933.4); short protein forms I3498V, I3465V, I3468V.
Identifiers: ClinVar variation 5008342 (VCV005008342.1).
Genomic context (GRCh38, chr11:118,506,294, plus strand): 5'-GAAGCAGACGAACACTATCAGCTTCAGCATGTGAACCAGCTCCTTGCCAGCAAAACTGGG[A>G]TTCATTCTTCCCAGCGTGATCTTGATTCTGCTTCAGGGCCCCAGGTATCCAACTTTACCC-3'
Protein context (NP_001184033.1, residues 3458-3478): VNQLLASKTG[Ile3468Val]HSSQRDLDSA

ClinVar aggregate classification (germline): Uncertain significance (1 of 4 stars; one submission).

Submission:

GeneDx
Classification: Uncertain significance. Last evaluated: 2026-03-02. Review status: criteria provided, single submitter. Criteria: GeneDx Variant Classification Process June 2021. Collection method: clinical testing. Allele origin: germline.
Comment: Not observed at significant frequency in large population cohorts (gnomAD); In silico analysis suggests that this missense variant does not alter protein structure/function; Has not been previously published as pathogenic or benign to our knowledge.